The following is an entry in ClinVar:

NM_003227.4(TFR2):c.34-2A>G

Gene: TFR2 (transferrin receptor 2; minus strand). Cytogenetic location: 7q22.1.
Variant type: single nucleotide variant.
Coding change: c.34-2A>G on transcript NM_003227.4 (MANE Select); the canonical splice acceptor site of the intron before coding-DNA position 34, A replaced by G.
Molecular consequence: splice acceptor variant.
Genome position (GRCh38, 1-based): chr7:100,641,230, T>C on the plus strand (A>G on the coding strand, the complement: TFR2 is on the minus strand). VCF-style: chr7-100641230-T-C. GRCh37 (hg19) VCF-style: chr7-100238853-T-C.
Identifiers: ClinVar variation 2679166 (VCV002679166.4), dbSNP rs1803693127, ClinGen allele CA368538783.
Genomic context (GRCh38, chr7:100,641,230, plus strand): 5'-TTCCGGGGGCCTTCCACACGCTGGTAGACGGTCTGAGAGGATCTTGGGGACAGTTGTTGC[T>C]GTGCAGGCGAGGTGGGCATGAGATTGGGGCAAGAGGCCTGGGGGGTGGGGAGGCATCTGG-3'

ClinVar aggregate classification (germline): Likely pathogenic. Review status: criteria provided, multiple submitters, no conflicts (2 of 4 stars). 2 submissions from 2 submitters: Likely pathogenic (2). Last evaluated 2025-07-13.

Conditions:
Hereditary hemochromatosis (HFE). Identifiers: MedGen C0392514, MONDO:0006507. Disease mechanism: loss of function.
Hemochromatosis type 3 (HFE3). Also called: HEMOCHROMATOSIS DUE TO DEFECT IN TRANSFERRIN RECEPTOR 2; Hereditary hemochromatosis type 3; TFR2-Related Hemochromatosis. Identifiers: Orphanet 225123, MedGen C1858664, MONDO:0011417, OMIM 604250.

Submissions (2):

Labcorp Genetics (formerly Invitae), Labcorp
Classification: Likely pathogenic for Hereditary hemochromatosis. Last evaluated: 2025-07-13. Review status: criteria provided, single submitter. Criteria: Invitae Variant Classification Sherloc (09022015). Collection method: clinical testing. Allele origin: germline.
Comment: This sequence change affects an acceptor splice site in intron 1 of the TFR2 gene. It is expected to disrupt RNA splicing. Variants that disrupt the donor or acceptor splice site typically lead to a loss of protein function (PMID: 16199547), and loss-of-function variants in TFR2 are known to be pathogenic (PMID: 23600741, 26029709). This variant is not present in population databases (gnomAD no frequency). This variant has not been reported in the literature in individuals affected with TFR2-related conditions. ClinVar contains an entry for this variant (Variation ID: 2679166). Algorithms developed to predict the effect of sequence changes on RNA splicing suggest that this variant may disrupt the consensus splice site. In summary, the currently available evidence indicates that the variant is pathogenic, but additional data are needed to prove that conclusively. Therefore, this variant has been classified as Likely Pathogenic.

Baylor Genetics
Classification: Likely pathogenic for Hemochromatosis type 3. Last evaluated: 2024-03-04. Review status: criteria provided, single submitter. Criteria: ACMG Guidelines, 2015. Collection method: clinical testing. Allele origin: unknown.

Literature cited by the submitters: PubMed 16199547 (cited by Labcorp Genetics (formerly Invitae), Labcorp); PubMed 23600741 (cited by Labcorp Genetics (formerly Invitae), Labcorp); PubMed 26029709 (cited by Labcorp Genetics (formerly Invitae), Labcorp).